The following is an entry in ClinVar:

ClinVar aggregate classification (germline): Uncertain significance (1 of 4 stars; one submission).

gnomAD v4.1: 2 of 1,612,606 alleles (0.00012%); highest among the groups gnomAD compares: Non-Finnish European, 0.00017%; no homozygotes.

Submission:

Labcorp Genetics (formerly Invitae), Labcorp
Classification: Uncertain significance. Last evaluated: 2024-02-24. Review status: criteria provided, single submitter. Criteria: Invitae Variant Classification Sherloc (09022015). Collection method: clinical testing. Allele origin: germline.
Comment: This sequence change replaces aspartic acid, which is acidic and polar, with histidine, which is basic and polar, at codon 122 of the GPX4 protein (p.Asp122His). This variant is not present in population databases (gnomAD no frequency). This variant has not been reported in the literature in individuals affected with GPX4-related conditions. ClinVar contains an entry for this variant (Variation ID: 1469463). Experimental studies and prediction algorithms are not available or were not evaluated, and the functional significance of this variant is currently unknown. In summary, the available evidence is currently insufficient to determine the role of this variant in disease. Therefore, it has been classified as a Variant of Uncertain Significance.

NM_002085.5(GPX4):c.253G>C (p.Asp85His)

Gene: GPX4 (glutathione peroxidase 4; plus strand). Cytogenetic location: 19p13.3.
Variant type: single nucleotide variant.
Coding change: c.253G>C on transcript NM_002085.5 (MANE Select); coding-DNA position 253, G replaced by C.
Protein change: p.Asp85His; replaces aspartic acid 85 with histidine.
Molecular consequence: missense variant.
Genome position (GRCh38, 1-based): chr19:1,105,439, G>C. VCF-style: chr19-1105439-G-C. GRCh37 (hg19) VCF-style: chr19-1105438-G-C.
Other names: c.253G>C, p.Asp85His (NM_001039847.3); c.364G>C, p.Asp122His (NM_001039848.4); c.172G>C, p.Asp58His (NM_001367832.1); short protein forms D122H, D85H, D58H.
Identifiers: ClinVar variation 1469463 (VCV001469463.6), dbSNP rs376007177, ClinGen allele CA402937098.